The following is an entry in ClinVar:

NM_020693.4(DSCAML1):c.4124T>C (p.Ile1375Thr)

Gene: DSCAML1 (DS cell adhesion molecule like 1; minus strand). Cytogenetic location: 11q23.3.
Variant type: single nucleotide variant.
Coding change: c.4124T>C on transcript NM_020693.4 (MANE Select); coding-DNA position 4124, T replaced by C.
Protein change: p.Ile1375Thr; replaces isoleucine 1375 with threonine.
Molecular consequence: missense variant.
Genome position (GRCh38, 1-based): chr11:117,439,286, A>G on the plus strand (T>C on the coding strand, the complement: DSCAML1 is on the minus strand). VCF-style: chr11-117439286-A-G. GRCh37 (hg19) VCF-style: chr11-117310002-A-G.
Other names: short protein forms I1375T.
Identifiers: ClinVar variation 3693371 (VCV003693371.2).

ClinVar aggregate classification (germline): Uncertain significance (1 of 4 stars; one submission).

gnomAD v4.1: 4 of 1,614,046 alleles (0.00025%); highest among the groups gnomAD compares: Non-Finnish European, 0.00034%; no homozygotes.

Submission:

Labcorp Genetics (formerly Invitae), Labcorp
Classification: Uncertain significance. Last evaluated: 2024-04-27. Review status: criteria provided, single submitter. Criteria: Invitae Variant Classification Sherloc (09022015). Collection method: clinical testing. Allele origin: germline.
Comment: This sequence change replaces isoleucine, which is neutral and non-polar, with threonine, which is neutral and polar, at codon 1435 of the DSCAML1 protein (p.Ile1435Thr). This variant is not present in population databases (gnomAD no frequency). This variant has not been reported in the literature in individuals affected with DSCAML1-related conditions. An algorithm developed to predict the effect of missense changes on protein structure and function (PolyPhen-2) suggests that this variant is likely to be tolerated. In summary, the available evidence is currently insufficient to determine the role of this variant in disease. Therefore, it has been classified as a Variant of Uncertain Significance.